The following is an entry in ClinVar:

ClinVar aggregate classification (germline): Pathogenic (1 of 4 stars; one submission).

Conditions:
Duchenne muscular dystrophy (DMD). Also called: MUSCULAR DYSTROPHY, PSEUDOHYPERTROPHIC PROGRESSIVE, DUCHENNE TYPE; Duchenne Muscular Dystrophy (DMD). Identifiers: Orphanet 98896, MedGen C0013264, MONDO:0010679, OMIM 310200.

Submission:

Labcorp Genetics (formerly Invitae), Labcorp
Classification: Pathogenic for Duchenne muscular dystrophy. Last evaluated: 2022-01-13. Review status: criteria provided, single submitter. Criteria: Invitae Variant Classification Sherloc (09022015). Collection method: clinical testing. Allele origin: unknown.
Comment: For these reasons, this variant has been classified as Pathogenic. This variant is also known as c.4072-?_6290+?dup. A similar copy number variant has been observed in individual(s) with DMD-related muscular dystrophy (PMID: 25007885). This variant results in a copy number gain of the genomic region encompassing exon(s) 30-43 of the DMD gene. While the exact position of this variant cannot be determined from the data, sub-genic copy number gains are generally in tandem (PMID: 25640679). This variant is predicted to be out-of-frame, and may result in an absent or disrupted protein product. Loss-of-function variants in DMD are known to be pathogenic (PMID: 16770791, 25007885).

Literature cited by the submitters: PubMed 25007885; PubMed 25640679; PubMed 16770791.

NC_000023.10:g.(?_32274692)_(32430336_?)dup

Gene: DMD (dystrophin; minus strand). Cytogenetic location: Xp21.1.
Variant type: Duplication.
Identifiers: ClinVar variation 3243020 (VCV003243020.1).